The following is an entry in ClinVar:

ClinVar aggregate classification (germline): Uncertain significance. Review status: criteria provided, multiple submitters, no conflicts (2 of 4 stars). 3 submissions from 3 submitters: Uncertain significance (3). Last evaluated 2025-12-08.

Allele frequency attached by ClinVar (database versions not stated): 1000 Genomes Project 30x 0.00016; 1000 Genomes Project 0.00020; ESP Exome Variant Server 0.00038.
gnomAD v4.1: 203 of 1,613,738 alleles (0.013%); highest among the groups gnomAD compares: Non-Finnish European, 0.016%; no homozygotes.

Submissions (3):

Labcorp Genetics (formerly Invitae), Labcorp
Classification: Uncertain significance. Last evaluated: 2025-12-08. Review status: criteria provided, single submitter. Criteria: Invitae Variant Classification Sherloc (09022015). Collection method: clinical testing. Allele origin: germline.
Comment: This sequence change replaces arginine, which is basic and polar, with serine, which is neutral and polar, at codon 1352 of the CACNA1D protein (p.Arg1352Ser). This variant is present in population databases (rs138000029, gnomAD 0.01%). This variant has not been reported in the literature in individuals affected with CACNA1D-related conditions. ClinVar contains an entry for this variant (Variation ID: 1377112). Invitae Evidence Modeling of protein sequence and biophysical properties (such as structural, functional, and spatial information, amino acid conservation, physicochemical variation, residue mobility, and thermodynamic stability) indicates that this missense variant is not expected to disrupt CACNA1D protein function with a negative predictive value of 80%. In summary, the available evidence is currently insufficient to determine the role of this variant in disease. Therefore, it has been classified as a Variant of Uncertain Significance.

ARUP Laboratories, Molecular Genetics and Genomics, ARUP Laboratories
Classification: Uncertain significance. Last evaluated: 2024-06-07. Review status: criteria provided, single submitter. Criteria: ARUP Molecular Germline Variant Investigation Process 2024. Collection method: clinical testing. Allele origin: germline.

Women's Health and Genetics/Laboratory Corporation of America, LabCorp
Classification: Uncertain significance. Last evaluated: 2024-02-23. Review status: criteria provided, single submitter. Criteria: LabCorp Variant Classification Summary - May 2015. Collection method: clinical testing. Allele origin: germline.
Comment: Variant summary: CACNA1D c.4056G>C (p.Arg1352Ser) results in a non-conservative amino acid change located in the Ion transport domain (IPR005821) of the encoded protein sequence. Five of five in-silico tools predict a damaging effect of the variant on protein function. The variant allele was found at a frequency of 7.2e-05 in 251482 control chromosomes. This frequency does not allow any conclusion about variant significance. To our knowledge, no occurrence of c.4056G>C in individuals affected with Sinoatrial Node Dysfunction And Deafness and no experimental evidence demonstrating its impact on protein function have been reported. ClinVar contains an entry for this variant (Variation ID: 1377112). Based on the evidence outlined above, the variant was classified as uncertain significance.

NM_001128840.3(CACNA1D):c.3996G>C (p.Arg1332Ser)

Gene: CACNA1D (calcium voltage-gated channel subunit alpha1 D; plus strand). Cytogenetic location: 3p21.1.
Variant type: single nucleotide variant.
Coding change: c.3996G>C on transcript NM_001128840.3 (MANE Select); coding-DNA position 3996, G replaced by C.
Protein change: p.Arg1332Ser; replaces arginine 1332 with serine.
Molecular consequence: missense variant.
Genome position (GRCh38, 1-based): chr3:53,770,504, G>C. VCF-style: chr3-53770504-G-C. GRCh37 (hg19) VCF-style: chr3-53804531-G-C.
Other names: c.4056G>C, p.Arg1352Ser (NM_000720.4); c.3951G>C, p.Arg1317Ser (NM_001128839.3); short protein forms R1317S, R1332S, R1352S.
Identifiers: ClinVar variation 1377112 (VCV001377112.9), dbSNP rs138000029, ClinGen allele CA2454757.
Genomic context (GRCh38, chr3:53,770,504, plus strand): 5'-AATCTCCATCACCTTTTTCCGTCTTTTCCGAGTGATGCGATTGGTGAAGCTTCTCAGCAG[G>C]GGGGAAGGCATCCGGACATTGCTGTGGACTTTTATTAAGTCCTTTCAGGTAAGAGCCATG-3'
Protein context (NP_001122312.1, residues 1322-1342): RVMRLVKLLS[Arg1332Ser]GEGIRTLLWT